The following is an entry in ClinVar:

ClinVar aggregate classification (germline): Uncertain significance (1 of 4 stars; one submission).

Conditions:
Cystic fibrosis (CF). Also called: MUCOVISCIDOSIS. Identifiers: Orphanet 586, MedGen C0010674, MONDO:0009061, OMIM 219700. Disease mechanism: loss of function.

Allele frequency attached by ClinVar (database versions not stated): gnomAD exomes below 0.00001.
gnomAD v4.1: 1 of 1,613,974 alleles (0.000062%); highest among the groups gnomAD compares: Admixed American, 0.0017%; no homozygotes.

Submission:

Ambry Genetics
Classification: Uncertain significance for Cystic fibrosis. Last evaluated: 2021-06-29. Review status: criteria provided, single submitter. Criteria: Ambry Variant Classification Scheme 2023. Collection method: clinical testing. Allele origin: germline.
Comment: The p.Y362H variant (also known as c.1084T>C), located in coding exon 8 of the CFTR gene, results from a T to C substitution at nucleotide position 1084. The tyrosine at codon 362 is replaced by histidine, an amino acid with similar properties. This amino acid position is highly conserved in available vertebrate species. In addition, this alteration is predicted to be deleterious by in silico analysis. Since supporting evidence is limited at this time, the clinical significance of this alteration remains unclear.

NM_000492.4(CFTR):c.1084T>C (p.Tyr362His)

Gene: CFTR (CF transmembrane conductance regulator; plus strand). Cytogenetic location: 7q31.2.
Variant type: single nucleotide variant.
Coding change: c.1084T>C on transcript NM_000492.4 (MANE Select); coding-DNA position 1084, T replaced by C.
Protein change: p.Tyr362His; replaces tyrosine 362 with histidine.
Molecular consequence: missense variant.
Genome position (GRCh38, 1-based): chr7:117,540,314, T>C. VCF-style: chr7-117540314-T-C. GRCh37 (hg19) VCF-style: chr7-117180368-T-C.
Other names: short protein forms Y362H.
Identifiers: ClinVar variation 1787352 (VCV001787352.2), dbSNP rs2485027204, ClinGen allele CA368979014.
Genomic context (GRCh38, chr7:117,540,314, plus strand): 5'-TTCTGCATTGTTCTGCGCATGGCGGTCACTCGGCAATTTCCCTGGGCTGTACAAACATGG[T>C]ATGACTCTCTTGGAGCAATAAACAAAATACAGGTAATGTACCATAATGCTGCATTATATA-3'
Protein context (NP_000483.3, residues 352-372): RQFPWAVQTW[Tyr362His]DSLGAINKIQ